The following is an entry in ClinVar:

NM_021072.4(HCN1):c.720A>T (p.Glu240Asp)

Gene: HCN1 (hyperpolarization activated cyclic nucleotide gated potassium channel 1; minus strand). Cytogenetic location: 5p12.
Variant type: single nucleotide variant.
Coding change: c.720A>T on transcript NM_021072.4 (MANE Select); coding-DNA position 720, A replaced by T.
Protein change: p.Glu240Asp; replaces glutamic acid 240 with aspartic acid.
Molecular consequence: missense variant.
Genome position (GRCh38, 1-based): chr5:45,645,314, T>A on the plus strand (A>T on the coding strand, the complement: HCN1 is on the minus strand). VCF-style: chr5-45645314-T-A. GRCh37 (hg19) VCF-style: chr5-45645416-T-A.
Other names: short protein forms E240D.
Identifiers: ClinVar variation 530436 (VCV000530436.9), dbSNP rs1554037379, ClinGen allele CA359707267.
Genomic context (GRCh38, chr5:45,645,314, plus strand): 5'-TGTAAACCTCACAATGCGAAGTGCCCTGGCTGTCTTGTAAACTTCAGAATCCATTCCTTT[T>A]TCTACAATAAGAAAGATATAATCCACTGGGATGGATGAGATGAAGTCAACCACAAACCAG-3'
Protein context (NP_066550.2, residues 230-250): IPVDYIFLIV[Glu240Asp]KGMDSEVYKT

ClinVar aggregate classification (germline): Uncertain significance (1 of 4 stars; one submission).

Conditions:
Early-infantile DEE. Also called: Early infantile epileptic encephalopathy; Early infantile epileptic encephalopathy with suppression bursts; Ohtahara syndrome. Identifiers: Orphanet 1934, MedGen C0393706, MONDO:0800491.

Submission:

Labcorp Genetics (formerly Invitae), Labcorp
Classification: Uncertain significance for Early-infantile DEE. Last evaluated: 2023-10-29. Review status: criteria provided, single submitter. Criteria: Invitae Variant Classification Sherloc (09022015). Collection method: clinical testing. Allele origin: germline.
Comment: This sequence change replaces glutamic acid, which is acidic and polar, with aspartic acid, which is acidic and polar, at codon 240 of the HCN1 protein (p.Glu240Asp). This variant is not present in population databases (gnomAD no frequency). This missense change has been observed in individuals with HCN1-related conditions (Invitae). ClinVar contains an entry for this variant (Variation ID: 530436). Advanced modeling of protein sequence and biophysical properties (such as structural, functional, and spatial information, amino acid conservation, physicochemical variation, residue mobility, and thermodynamic stability) performed at Invitae indicates that this missense variant is not expected to disrupt HCN1 protein function with a negative predictive value of 80%. This variant disrupts the p.Glu240 amino acid residue in HCN1. Other variant(s) that disrupt this residue have been determined to be pathogenic (PMID: 29933521, 35845605). This suggests that this residue is clinically significant, and that variants that disrupt this residue are likely to be disease-causing. In summary, the available evidence is currently insufficient to determine the role of this variant in disease. Therefore, it has been classified as a Variant of Uncertain Significance.

Literature cited by the submitters: PubMed 29933521; PubMed 35845605.